The following is an entry in ClinVar:

ClinVar aggregate classification (germline): Uncertain significance (1 of 4 stars; one submission).

Conditions:
Nemaline myopathy 8 (NEM8). Also called: Nemaline myopathy 8, autosomal recessive. Identifiers: Orphanet 171430, MedGen C3809209, MONDO:0014138, OMIM 615348.

Submission:

Labcorp Genetics (formerly Invitae), Labcorp
Classification: Uncertain significance for Nemaline myopathy 8. Last evaluated: 2020-03-09. Review status: criteria provided, single submitter. Criteria: Invitae Variant Classification Sherloc (09022015). Collection method: clinical testing. Allele origin: germline.
Comment: In summary, the available evidence is currently insufficient to determine the role of this variant in disease. Therefore, it has been classified as a Variant of Uncertain Significance. Algorithms developed to predict the effect of missense changes on protein structure and function (SIFT, PolyPhen-2, Align-GVGD) all suggest that this variant is likely to be tolerated, but these predictions have not been confirmed by published functional studies and their clinical significance is uncertain. This variant has not been reported in the literature in individuals with KLHL40-related conditions. This variant is not present in population databases (ExAC no frequency). This sequence change replaces valine with isoleucine at codon 518 of the KLHL40 protein (p.Val518Ile). The valine residue is moderately conserved and there is a small physicochemical difference between valine and isoleucine.

NM_152393.4(KLHL40):c.1552G>A (p.Val518Ile)

Gene: KLHL40 (kelch like family member 40; plus strand). Cytogenetic location: 3p22.1.
Variant type: single nucleotide variant.
Coding change: c.1552G>A on transcript NM_152393.4 (MANE Select); coding-DNA position 1552, G replaced by A.
Protein change: p.Val518Ile; replaces valine 518 with isoleucine.
Molecular consequence: missense variant.
Genome position (GRCh38, 1-based): chr3:42,688,999, G>A. VCF-style: chr3-42688999-G-A. GRCh37 (hg19) VCF-style: chr3-42730491-G-A.
Other names: short protein forms V518I.
Identifiers: ClinVar variation 1045716 (VCV001045716.5), dbSNP rs1697321354, ClinGen allele CA352294867.